The following is an entry in ClinVar:

ClinVar aggregate classification (germline): Pathogenic. Review status: criteria provided, multiple submitters, no conflicts (2 of 4 stars). 6 submissions from 6 submitters: Pathogenic (5). 1 of the submissions does not count toward it. Last evaluated 2025-11-03.

Conditions:
CSF1R-related disorder. Also called: CSF1R-related condition. Identifiers: MedGen CN379780, MONDO:0100632.
Leukoencephalopathy, diffuse hereditary, with spheroids 1 (HDLS1). Also called: CSF1R-related adult-onset leukoencephalopathy with axonal spheroids and pigmented glia; DEMENTIA, FAMILIAL, NEUMANN TYPE; SUBCORTICAL GLIOSIS OF NEUMANN. Identifiers: Orphanet 313808, MedGen C5561929, MONDO:0800027, OMIM 221820.
Hereditary diffuse leukoencephalopathy with spheroids. Also called: LEUKOENCEPHALOPATHY, ADULT-ONSET, WITH AXONAL SPHEROIDS AND PIGMENTED GLIA. Identifiers: Orphanet 313808, MedGen C3711381, MONDO:0030796.

Submissions (6):

Labcorp Genetics (formerly Invitae), Labcorp
Classification: Pathogenic. Last evaluated: 2025-11-03. Review status: criteria provided, single submitter. Criteria: Invitae Variant Classification Sherloc (09022015). Collection method: clinical testing. Allele origin: germline.
Comment: This sequence change replaces arginine, which is basic and polar, with glutamine, which is neutral and polar, at codon 777 of the CSF1R protein (p.Arg777Gln). This variant is not present in population databases (gnomAD no frequency). This missense change has been observed in individual(s) with clinical features of autosomal dominant hereditary diffuse leukoencephalopathy with spheroids (PMID: 23649896, 24198292). In at least one individual the variant was observed to be de novo. It has also been observed to segregate with disease in related individuals. ClinVar contains an entry for this variant (Variation ID: 162111). Invitae Evidence Modeling of protein sequence and biophysical properties (such as structural, functional, and spatial information, amino acid conservation, physicochemical variation, residue mobility, and thermodynamic stability) has been performed for this missense variant. However, the output from this modeling did not meet the statistical confidence thresholds required to predict the impact of this variant on CSF1R protein function. This variant disrupts the p.Arg777 amino acid residue in CSF1R. Other variant(s) that disrupt this residue have been determined to be pathogenic (PMID: 23038421, 23649896, 30268725). This suggests that this residue is clinically significant, and that variants that disrupt this residue are likely to be disease-causing. For these reasons, this variant has been classified as Pathogenic.

CeGaT Center for Human Genetics Tuebingen
Classification: Pathogenic. Last evaluated: 2025-07-01. Review status: criteria provided, single submitter. Criteria: CeGaT Center For Human Genetics Tuebingen Variant Classification Criteria Version 2. Collection method: clinical testing. Allele origin: germline. Affected: yes. Observed: 1 variant allele.
Comment: CSF1R: PS4, PM1, PM2, PM5, PP2, PS3:Supporting

Institute of Human Genetics, University of Leipzig Medical Center
Classification: Pathogenic for Leukoencephalopathy, diffuse hereditary, with spheroids 1. Last evaluated: 2024-09-30. Review status: criteria provided, single submitter. Criteria: ACMG Guidelines, 2015. Collection method: clinical testing. Allele origin: unknown. Inheritance: Autosomal dominant inheritance. Affected: yes.
Comment: Criteria applied: PS4,PM1,PM2,PM5,PP3

GeneDx
Classification: Pathogenic. Last evaluated: 2024-03-12. Review status: criteria provided, single submitter. Criteria: GeneDx Variant Classification Process June 2021. Collection method: clinical testing. Allele origin: germline. Affected: yes.
Comment: Published functional studies demonstrate a damaging effect (PMID: 34652888); In silico analysis supports that this missense variant has a deleterious effect on protein structure/function; In silico analysis suggests this variant may impact gene splicing. In the absence of RNA/functional studies, the actual effect of this sequence change is unknown.; Not observed at significant frequency in large population cohorts (gnomAD); This variant is associated with the following publications: (PMID: 27338940, 24198292, 24034409, 32430064, 30614382, 34541732, 36683899, 23649896, 35713703, 30115677, 24428556, 34652888)

PreventionGenetics, part of Exact Sciences
Classification: Pathogenic for CSF1R-related condition. Last evaluated: 2022-12-28. Review status: criteria provided, single submitter. Criteria: ACMG Guidelines, 2015. Collection method: clinical testing. Allele origin: germline.
Comment: The CSF1R c.2330G>A variant is predicted to result in the amino acid substitution p.Arg777Gln. This variant has been reported to be causative for autosomal dominant diffuse hereditary leukoencephalopathy with spheroids (Guerreiro et al. 2013. PubMed ID: 23649896; Karle et al. 2013. PubMed ID: 24198292; Codjia et al. 2018. PubMed ID: 30115677; Makary et al. 2019. PubMed ID: 30614382; Kempthorne et al. 2020. PubMed ID: 32430064). Of note, a different missense variant affecting the same residue (p.Arg777Trp) has also been reported to be pathogenic for diffuse hereditary leukoencephalopathy with spheroids (Guerreiro et al. 2013. PubMed ID: 23649896). This variant has not been reported in a large population database, indicating this variant is rare. This variant is interpreted as pathogenic.

GeneReviews
No classification provided. Condition: Hereditary diffuse leukoencephalopathy with spheroids. Review status: no classification provided. Collection method: literature only. Allele origin: germline. Affected: yes. Not counted in ClinVar's aggregate classification.

Literature cited by the submitters: PubMed 23649896 (cited by Labcorp Genetics (formerly Invitae), Labcorp and GeneReviews); PubMed 24198292 (cited by Labcorp Genetics (formerly Invitae), Labcorp); PubMed 23038421 (cited by Labcorp Genetics (formerly Invitae), Labcorp); PubMed 30268725 (cited by Labcorp Genetics (formerly Invitae), Labcorp); PubMed 24034409 (cited by GeneReviews); NCBI Bookshelf NBK100239 (cited by GeneReviews).

NM_001288705.3(CSF1R):c.2330G>A (p.Arg777Gln)

Gene: CSF1R (colony stimulating factor 1 receptor; minus strand). Cytogenetic location: 5q32.
Variant type: single nucleotide variant.
Coding change: c.2330G>A on transcript NM_001288705.3 (MANE Select); coding-DNA position 2330, G replaced by A.
Protein change: p.Arg777Gln; replaces arginine 777 with glutamine.
Molecular consequence: missense variant. On other transcripts: non-coding transcript variant (2).
Genome position (GRCh38, 1-based): chr5:150,056,331, C>T on the plus strand (G>A on the coding strand, the complement: CSF1R is on the minus strand). VCF-style: chr5-150056331-C-T. GRCh37 (hg19) VCF-style: chr5-149435894-C-T.
Other names: c.2330G>A, p.Arg777Gln (NM_001349736.2, NM_001375320.1, NM_005211.4); c.1886G>A, p.Arg629Gln (NM_001375321.1); short protein forms R777Q, R629Q.
Identifiers: ClinVar variation 162111 (VCV000162111.20), dbSNP rs690016548, ClinGen allele CA346069.